The following is an entry in ClinVar:

NM_024854.5(PYROXD1):c.154A>G (p.Asn52Asp)

Gene: PYROXD1 (pyridine nucleotide-disulphide oxidoreductase domain 1; plus strand). Cytogenetic location: 12p12.1.
Variant type: single nucleotide variant.
Coding change: c.154A>G on transcript NM_024854.5 (MANE Select); coding-DNA position 154, A replaced by G.
Protein change: p.Asn52Asp; replaces asparagine 52 with aspartic acid.
Molecular consequence: missense variant. On other transcripts: 5 prime UTR variant (2).
Genome position (GRCh38, 1-based): chr12:21,440,437, A>G. VCF-style: chr12-21440437-A-G. GRCh37 (hg19) VCF-style: chr12-21593371-A-G.
Other names: c.154A>G (NM_024854.3); c.-60A>G (NM_001350912.2); c.-550A>G (NM_001350913.2); short protein forms N52D.
Identifiers: ClinVar variation 1461631 (VCV001461631.4), dbSNP rs201015588, ClinGen allele CA234075761.
Genomic context (GRCh38, chr12:21,440,437, plus strand): 5'-CACTTTCCATCGGAAGATATTCTCTTGGTAACAGCTTCTCCTGTTATTAAAGCAGTTACA[A>G]ATTTCAAGCAGGTAAGAACCTTTGTATAACTTGTTAATATTAATTTGAAAAAATTGCAAT-3'
Protein context (NP_079130.2, residues 42-62): TASPVIKAVT[Asn52Asp]FKQISKILEE

ClinVar aggregate classification (germline): Uncertain significance. Review status: criteria provided, multiple submitters, no conflicts (2 of 4 stars). 2 submissions from 2 submitters: Uncertain significance (2). Last evaluated 2025-08-10.

Conditions:
Inborn genetic diseases. Identifiers: MedGen C0950123, MeSH D030342.

Allele frequency attached by ClinVar (database versions not stated): TOPMed below 0.00001; gnomAD 0.00001; gnomAD exomes 0.00001.
gnomAD v4.1: 48 of 1,590,182 alleles (0.003%); highest among the groups gnomAD compares: Non-Finnish European, 0.0037%; no homozygotes.

Submissions (2):

Ambry Genetics
Classification: Uncertain significance for Inborn genetic diseases. Last evaluated: 2025-08-10. Review status: criteria provided, single submitter. Criteria: Ambry Variant Classification Scheme 2023. Collection method: clinical testing. Allele origin: germline.

Labcorp Genetics (formerly Invitae), Labcorp
Classification: Uncertain significance. Last evaluated: 2022-02-08. Review status: criteria provided, single submitter. Criteria: Invitae Variant Classification Sherloc (09022015). Collection method: clinical testing. Allele origin: germline.
Comment: This sequence change replaces asparagine, which is neutral and polar, with aspartic acid, which is acidic and polar, at codon 52 of the PYROXD1 protein (p.Asn52Asp). This variant is present in population databases (rs201015588, gnomAD 0.003%). This variant has not been reported in the literature in individuals affected with PYROXD1-related conditions. Algorithms developed to predict the effect of missense changes on protein structure and function are either unavailable or do not agree on the potential impact of this missense change (SIFT: "Deleterious"; PolyPhen-2: "Possibly Damaging"; Align-GVGD: "Class C0"). In summary, the available evidence is currently insufficient to determine the role of this variant in disease. Therefore, it has been classified as a Variant of Uncertain Significance.